The following is an entry in ClinVar:

ClinVar aggregate classification (germline): Uncertain significance. Review status: criteria provided, multiple submitters, no conflicts (2 of 4 stars). 3 submissions from 3 submitters: Uncertain significance (3). Last evaluated 2025-08-04.

Conditions:
Inborn genetic diseases. Identifiers: MedGen C0950123, MeSH D030342.
Treacher Collins syndrome 1 (TCS1). Also called: TCOF1-Related Treacher Collins Syndrome. Identifiers: Orphanet 861, MedGen CN315775, MONDO:0007944, OMIM 154500.

Allele frequency attached by ClinVar (database versions not stated): gnomAD exomes below 0.00001 and 0.00001; TOPMed 0.00001 and 0.00002; ExAC 0.00002; gnomAD 0.00002.
gnomAD v4.1: 10 of 1,614,146 alleles (0.00062%); highest among the groups gnomAD compares: East Asian, 0.0022%; no homozygotes.

Submissions (3):

Labcorp Genetics (formerly Invitae), Labcorp
Classification: Uncertain significance for Treacher Collins syndrome 1. Last evaluated: 2025-08-04. Review status: criteria provided, single submitter. Criteria: Invitae Variant Classification Sherloc (09022015). Collection method: clinical testing. Allele origin: germline.
Comment: This sequence change replaces lysine, which is basic and polar, with glutamic acid, which is acidic and polar, at codon 570 of the TCOF1 protein (p.Lys570Glu). This variant is present in population databases (rs762339373, gnomAD 0.0009%). This variant has not been reported in the literature in individuals affected with TCOF1-related conditions. ClinVar contains an entry for this variant (Variation ID: 1941579). Invitae Evidence Modeling of protein sequence and biophysical properties (such as structural, functional, and spatial information, amino acid conservation, physicochemical variation, residue mobility, and thermodynamic stability) indicates that this missense variant is not expected to disrupt TCOF1 protein function with a negative predictive value of 80%. In summary, the available evidence is currently insufficient to determine the role of this variant in disease. Therefore, it has been classified as a Variant of Uncertain Significance.

Revvity Omics, Revvity
Classification: Uncertain significance for Treacher Collins syndrome 1. Last evaluated: 2022-11-13. Review status: criteria provided, single submitter. Criteria: ACMG Guidelines, 2015. Collection method: clinical testing. Allele origin: germline.

Ambry Genetics
Classification: Uncertain significance for Inborn genetic diseases. Last evaluated: 2021-07-14. Review status: criteria provided, single submitter. Criteria: Ambry Variant Classification Scheme 2023. Collection method: clinical testing. Allele origin: germline.

NM_001371623.1(TCOF1):c.1708A>G (p.Lys570Glu)

Gene: TCOF1 (treacle ribosome biogenesis factor 1; plus strand). Cytogenetic location: 5q32.
Variant type: single nucleotide variant.
Coding change: c.1708A>G on transcript NM_001371623.1 (MANE Select); coding-DNA position 1708, A replaced by G.
Protein change: p.Lys570Glu; replaces lysine 570 with glutamic acid.
Molecular consequence: missense variant.
Genome position (GRCh38, 1-based): chr5:150,375,724, A>G. VCF-style: chr5-150375724-A-G. GRCh37 (hg19) VCF-style: chr5-149755287-A-G.
Other names: c.1477A>G, p.Lys493Glu (NM_000356.4, NM_001135245.2); c.1708A>G, p.Lys570Glu (NM_001008657.3, NM_001135243.2, NM_001135244.2 and 1 more transcripts); short protein forms K570E, K493E.
Identifiers: ClinVar variation 1941579 (VCV001941579.9), dbSNP rs762339373, ClinGen allele CA3510984.